The following is an entry in ClinVar:

ClinVar aggregate classification (germline): Likely benign. Review status: criteria provided, multiple submitters, no conflicts (2 of 4 stars). 2 submissions from 2 submitters: Likely benign (2). Last evaluated 2024-10-03.

Conditions:
Hereditary cancer-predisposing syndrome. Also called: Hereditary neoplastic syndrome; Tumor predisposition; Hereditary Cancer Syndrome; Neoplastic Syndromes, Hereditary. Identifiers: Orphanet 140162, MedGen C0027672, MeSH D009386, MONDO:0015356.
Familial cancer of breast. Also called: Hereditary breast cancer; hereditary breast carcinoma; BREAST CANCER, FAMILIAL. Identifiers: Orphanet 227535, MedGen C0346153, MONDO:0016419, OMIM 114480. Disease mechanism: loss of function.

Allele frequency attached by ClinVar (database versions not stated): gnomAD exomes below 0.00001.
gnomAD v4.1: 1 of 1,518,628 alleles (0.000066%); highest among the groups gnomAD compares: Admixed American, 0.0017%; no homozygotes.

Submissions (2):

Myriad Genetics, Inc.
Classification: Likely benign for Familial cancer of breast. Last evaluated: 2024-10-03. Review status: criteria provided, single submitter. Criteria: Myriad Autosomal Dominant, Autosomal Recessive and X-Linked Classification Criteria (2023). Collection method: clinical testing. Allele origin: unknown.
Comment: This variant is considered likely benign. This variant is intronic and is not expected to impact mRNA splicing.

Color Diagnostics, LLC DBA Color Health
Classification: Likely benign for Hereditary cancer-predisposing syndrome. Last evaluated: 2015-06-08. Review status: criteria provided, single submitter. Criteria: ACMG Guidelines, 2015. Collection method: clinical testing. Allele origin: germline.

NM_007194.4(CHEK2):c.793-13C>T

Gene: CHEK2 (checkpoint kinase 2; minus strand). Cytogenetic location: 22q12.1.
Variant type: single nucleotide variant.
Coding change: c.793-13C>T on transcript NM_007194.4 (MANE Select); 13 bases into the intron before coding-DNA position 793, C replaced by T.
Molecular consequence: intron variant.
Genome position (GRCh38, 1-based): chr22:28,710,072, G>A on the plus strand (C>T on the coding strand, the complement: CHEK2 is on the minus strand). VCF-style: chr22-28710072-G-A. GRCh37 (hg19) VCF-style: chr22-29106060-G-A.
Other names: c.130-13C>T (NM_001437942.1, NM_001257387.3); c.592-13C>T (NM_001349956.3); c.793-13C>T (NM_145862.3); c.886-13C>T (NM_001438295.1, NM_001438293.1); c.922-13C>T (NM_001438294.1, NM_001005735.3).
Identifiers: ClinVar variation 491641 (VCV000491641.4), dbSNP rs1555920274, ClinGen allele CA658684253.